The following is an entry in ClinVar:

NM_015335.5(MED13L):c.2623C>G (p.Pro875Ala)

Gene: MED13L (mediator complex subunit 13L; minus strand). Cytogenetic location: 12q24.21.
Variant type: single nucleotide variant.
Coding change: c.2623C>G on transcript NM_015335.5 (MANE Select); coding-DNA position 2623, C replaced by G.
Protein change: p.Pro875Ala; replaces proline 875 with alanine.
Molecular consequence: missense variant.
Genome position (GRCh38, 1-based): chr12:115,997,177, G>C on the plus strand (C>G on the coding strand, the complement: MED13L is on the minus strand). VCF-style: chr12-115997177-G-C. GRCh37 (hg19) VCF-style: chr12-116434982-G-C.
Other names: short protein forms P875A.
Identifiers: ClinVar variation 3901426 (VCV003901426.1).
Genomic context (GRCh38, chr12:115,997,177, plus strand): 5'-ATGCTGTCACTGTCTCTGAGCTGATCCCATCTTTATAATTCATCACAGGAGAAAATGCAG[G>C]ATGCTGTTCCAAAGATGGTGGAGTGGGAAACATCCTTTGCAAGTCTGCAACTGCTAAAAA-3'
Protein context (NP_056150.1, residues 865-885): FPTPPSLEQH[Pro875Ala]AFSPVMNYKD

ClinVar aggregate classification (germline): Uncertain significance (1 of 4 stars; one submission).

Submission:

GeneDx
Classification: Uncertain significance. Last evaluated: 2024-12-07. Review status: criteria provided, single submitter. Criteria: GeneDx Variant Classification Process June 2021. Collection method: clinical testing. Allele origin: germline. Affected: yes.
Comment: Not observed at significant frequency in large population cohorts (gnomAD); In silico analysis supports that this missense variant has a deleterious effect on protein structure/function; Has not been previously published as pathogenic or benign to our knowledge